The following is an entry in ClinVar:

NM_000388.4(CASR):c.1378_1379insAGCAAAGG

Gene: CASR (calcium sensing receptor; plus strand). Cytogenetic location: 3q21.1.
Variant type: Insertion.
Coding change: c.1378_1379insAGCAAAGG on transcript NM_000388.4 (MANE Select); coding-DNA positions 1378 to 1379, AGCAAAGG inserted.
Molecular consequence: splice acceptor variant.
Genome position: GRCh38 VCF-style: chr3-122275809-T-TAGGAGCAA. GRCh37 (hg19) VCF-style: chr3-121994656-T-TAGGAGCAA.
Other names: p.Val460Glufs*5.
Identifiers: ClinVar variation 4540914 (VCV004540914.2).

ClinVar aggregate classification (germline): Pathogenic/Likely pathogenic. Review status: criteria provided, multiple submitters, no conflicts (2 of 4 stars). 2 submissions from 2 submitters: Pathogenic (1); Likely pathogenic (1). Last evaluated 2025-12-15.

Conditions:
Autosomal dominant hypocalcemia 1 (HYPOC1). Also called: HYPOCALCEMIA, FAMILIAL. Identifiers: MedGen C3715128, MONDO:0011013, OMIM 601198.
Familial hypocalciuric hypercalcemia (FHH). Also called: Familial benign hypercalcemia. Identifiers: Orphanet 405, MedGen C1809471, MONDO:0018458.

Submissions (2):

Labcorp Genetics (formerly Invitae), Labcorp
Classification: Pathogenic for Familial hypocalciuric hypercalcemia; Autosomal dominant hypocalcemia 1. Last evaluated: 2025-12-15. Review status: criteria provided, single submitter. Criteria: Invitae Variant Classification Sherloc (09022015). Collection method: clinical testing. Allele origin: germline.
Comment: This sequence change creates a premature translational stop signal (p.Val460Glufs*5) in the CASR gene. It is expected to result in an absent or disrupted protein product. Loss-of-function variants in CASR are known to be pathogenic (PMID: 11807402, 14985373, 22422767). This variant is not present in population databases (gnomAD no frequency). This variant has not been reported in the literature in individuals affected with CASR-related conditions. Algorithms developed to predict the effect of sequence changes on RNA splicing suggest that this variant may disrupt the consensus splice site. For these reasons, this variant has been classified as Pathogenic.

Mayo Clinic Laboratories, Mayo Clinic
Classification: Likely pathogenic. Last evaluated: 2025-03-04. Review status: criteria provided, single submitter. Criteria: ACMG Guidelines, 2015. Collection method: clinical testing. Allele origin: germline. Observed: 1 variant allele.
Comment: PM2_supporting, PVS1

Literature cited by the submitters: PubMed 11807402 (cited by Labcorp Genetics (formerly Invitae), Labcorp); PubMed 14985373 (cited by Labcorp Genetics (formerly Invitae), Labcorp); PubMed 22422767 (cited by Labcorp Genetics (formerly Invitae), Labcorp).